The following is an entry in ClinVar:

ClinVar aggregate classification (germline): Uncertain significance. Review status: criteria provided, multiple submitters, no conflicts (2 of 4 stars). 2 submissions from 2 submitters: Uncertain significance (2). Last evaluated 2022-06-26.

Conditions:
Nemaline myopathy 2 (NEM2). Also called: Nemaline myopathy 2, autosomal recessive. Identifiers: MedGen C1850569, MONDO:0009725, OMIM 256030.

Allele frequency attached by ClinVar (database versions not stated): gnomAD exomes 0.00001; ExAC 0.00006; ESP Exome Variant Server 0.00017.
gnomAD v4.1: 27 of 1,583,572 alleles (0.0017%); highest among the groups gnomAD compares: African/African-American, 0.0067%; no homozygotes.

Submissions (2):

Labcorp Genetics (formerly Invitae), Labcorp
Classification: Uncertain significance for Nemaline myopathy 2. Last evaluated: 2022-06-26. Review status: criteria provided, single submitter. Criteria: Invitae Variant Classification Sherloc (09022015). Collection method: clinical testing. Allele origin: germline.
Comment: This sequence change replaces arginine, which is basic and polar, with histidine, which is basic and polar, at codon 3450 of the NEB protein (p.Arg3450His). This variant is present in population databases (rs367627899, gnomAD 0.01%). This variant has not been reported in the literature in individuals affected with NEB-related conditions. Algorithms developed to predict the effect of missense changes on protein structure and function output the following: SIFT: "Deleterious"; PolyPhen-2: "Not Available"; Align-GVGD: "Class C0". The histidine amino acid residue is found in multiple mammalian species, which suggests that this missense change does not adversely affect protein function. In summary, the available evidence is currently insufficient to determine the role of this variant in disease. Therefore, it has been classified as a Variant of Uncertain Significance.

Revvity Omics, Revvity
Classification: Uncertain significance. Last evaluated: 2019-07-12. Review status: criteria provided, single submitter. Criteria: ACMG Guidelines, 2015. Collection method: clinical testing. Allele origin: germline.

NM_001164508.2(NEB):c.10349G>A (p.Arg3450His)

Gene: NEB (nebulin; minus strand). Cytogenetic location: 2q23.3.
Variant type: single nucleotide variant.
Coding change: c.10349G>A on transcript NM_001164508.2 (MANE Select); coding-DNA position 10349, G replaced by A.
Protein change: p.Arg3450His; replaces arginine 3450 with histidine.
Molecular consequence: missense variant.
Genome position (GRCh38, 1-based): chr2:151,625,637, C>T on the plus strand (G>A on the coding strand, the complement: NEB is on the minus strand). VCF-style: chr2-151625637-C-T. GRCh37 (hg19) VCF-style: chr2-152482151-C-T.
Other names: c.10349G>A, p.Arg3450His (NM_001164507.2, NM_001271208.2); c.9620G>A, p.Arg3207His (NM_004543.5); short protein forms R3207H, R3450H.
Identifiers: ClinVar variation 2080359 (VCV002080359.4), dbSNP rs367627899, ClinGen allele CA1909045.